The following is an entry in ClinVar:

NM_212482.4(FN1):c.4257C>T (p.Leu1419=)

Gene: FN1 (fibronectin 1; minus strand). Cytogenetic location: 2q35.
Variant type: single nucleotide variant.
Coding change: c.4257C>T on transcript NM_212482.4 (MANE Select); coding-DNA position 4257, C replaced by T.
Protein change: p.Leu1419=; no amino-acid change (leucine 1419 retained).
Molecular consequence: synonymous variant.
Genome position (GRCh38, 1-based): chr2:215,388,297, G>A on the plus strand (C>T on the coding strand, the complement: FN1 is on the minus strand). VCF-style: chr2-215388297-G-A. GRCh37 (hg19) VCF-style: chr2-216253020-G-A.
Other names: c.4257C>T, p.Leu1419= (NM_001306129.2, NM_001306130.2, NM_001365517.2 and 3 more transcripts); c.3984C>T, p.Leu1328= (NM_001306131.2, NM_001306132.2, NM_001365518.2 and 7 more transcripts); c.4257C>T (NM_212482.2).
Identifiers: ClinVar variation 1541556 (VCV001541556.28), dbSNP rs141157994, ClinGen allele CA2094470.

ClinVar aggregate classification (germline): Benign/Likely benign. Review status: criteria provided, multiple submitters, no conflicts (2 of 4 stars). 4 submissions from 4 submitters: Benign (1); Likely benign (2). 1 of the submissions does not count toward it. Last evaluated 2025-12-19.

Conditions:
FN1-related disorder. Also called: FN1-related condition.

Allele frequency attached by ClinVar (database versions not stated): gnomAD 0.00010 and 0.00022; ESP Exome Variant Server 0.00015; TOPMed 0.00018; gnomAD exomes 0.00042 and 0.00065; ExAC 0.00079; 1000 Genomes Project 30x 0.00094; 1000 Genomes Project 0.00120.
gnomAD v4.1: 639 of 1,612,232 alleles (0.04%); highest among the groups gnomAD compares: South Asian, 0.37%; 4 homozygotes.

Submissions (4):

Labcorp Genetics (formerly Invitae), Labcorp
Classification: Benign. Last evaluated: 2025-12-19. Review status: criteria provided, single submitter. Criteria: Invitae Variant Classification Sherloc (09022015). Collection method: clinical testing. Allele origin: germline.

Blueprint Genetics
Classification: Likely benign. Last evaluated: 2024-11-26. Review status: criteria provided, single submitter. Criteria: ACMG Guidelines, 2015. Collection method: clinical testing. Allele origin: germline.

CeGaT Center for Human Genetics Tuebingen
Classification: Likely benign. Last evaluated: 2024-06-01. Review status: criteria provided, single submitter. Criteria: CeGaT Center For Human Genetics Tuebingen Variant Classification Criteria Version 2. Collection method: clinical testing. Allele origin: germline. Affected: yes. Observed: 1 variant allele.
Comment: FN1: BP4, BP7, BS1

PreventionGenetics, part of Exact Sciences
Classification: Likely benign for FN1-related condition. Last evaluated: 2019-06-11. Review status: no assertion criteria provided. Collection method: clinical testing. Allele origin: germline. Not counted in ClinVar's aggregate classification.
Comment: This variant is classified as likely benign based on ACMG/AMP sequence variant interpretation guidelines (Richards et al. 2015 PMID: 25741868, with internal and published modifications).